The following is an entry in ClinVar:

NM_182914.3(SYNE2):c.6328C>T (p.Pro2110Ser)

Gene: SYNE2 (spectrin repeat containing nuclear envelope protein 2; plus strand). Cytogenetic location: 14q23.2.
Variant type: single nucleotide variant.
Coding change: c.6328C>T on transcript NM_182914.3 (MANE Select); coding-DNA position 6328, C replaced by T.
Protein change: p.Pro2110Ser; replaces proline 2110 with serine.
Molecular consequence: missense variant.
Genome position (GRCh38, 1-based): chr14:64,026,654, C>T. VCF-style: chr14-64026654-C-T. GRCh37 (hg19) VCF-style: chr14-64493372-C-T.
Other names: c.6328C>T, p.Pro2110Ser (NM_015180.6); short protein forms P2110S.
Identifiers: ClinVar variation 2052595 (VCV002052595.4), dbSNP rs749348904, ClinGen allele CA7220675.

ClinVar aggregate classification (germline): Uncertain significance (1 of 4 stars; one submission).

Conditions:
Emery-Dreifuss muscular dystrophy 5, autosomal dominant (EDMD5). Also called: EMERY-DREIFUSS MUSCULAR DYSTROPHY 5. Identifiers: Orphanet 261, MedGen C2751805, MONDO:0013072, OMIM 612999.

Allele frequency attached by ClinVar (database versions not stated): gnomAD exomes below 0.00001; ExAC 0.00001; gnomAD 0.00001.
gnomAD v4.1: 4 of 1,613,346 alleles (0.00025%); highest among the groups gnomAD compares: Non-Finnish European, 0.00034%; no homozygotes.

Submission:

Labcorp Genetics (formerly Invitae), Labcorp
Classification: Uncertain significance for Emery-Dreifuss muscular dystrophy 5, autosomal dominant. Last evaluated: 2022-03-22. Review status: criteria provided, single submitter. Criteria: Invitae Variant Classification Sherloc (09022015). Collection method: clinical testing. Allele origin: germline.
Comment: This variant is not present in population databases (gnomAD no frequency). This sequence change replaces proline, which is neutral and non-polar, with serine, which is neutral and polar, at codon 2110 of the SYNE2 protein (p.Pro2110Ser). In summary, the available evidence is currently insufficient to determine the role of this variant in disease. Therefore, it has been classified as a Variant of Uncertain Significance. Algorithms developed to predict the effect of missense changes on protein structure and function (SIFT, PolyPhen-2, Align-GVGD) all suggest that this variant is likely to be tolerated. This variant has not been reported in the literature in individuals affected with SYNE2-related conditions.